The following is an entry in ClinVar:

ClinVar aggregate classification (germline): Uncertain significance (1 of 4 stars; one submission).

Conditions:
Acute myeloid leukemia (AML). Also called: Leukemia, acute myeloid, somatic; Leukemia, acute myelogenous, somatic; Acute myeloid leukemia, adult; AML adult; Acute non-lymphocytic leukemia; Acute granulocytic leukemia. Identifiers: Orphanet 519, MedGen C0023467, MeSH D015470, MONDO:0018874, OMIM 601626, HP:0004808. Disease mechanism: Constitutively activated FLT3.

Submission:

Labcorp Genetics (formerly Invitae), Labcorp
Classification: Uncertain significance for Acute myeloid leukemia. Last evaluated: 2021-03-13. Review status: criteria provided, single submitter. Criteria: Invitae Variant Classification Sherloc (09022015). Collection method: clinical testing. Allele origin: germline.
Comment: The frequency data for this variant in the population databases is considered unreliable, as metrics indicate insufficient coverage at this position in the ExAC database. In summary, the available evidence is currently insufficient to determine the role of this variant in disease. Therefore, it has been classified as a Variant of Uncertain Significance. Algorithms developed to predict the effect of missense changes on protein structure and function (SIFT, PolyPhen-2, Align-GVGD) all suggest that this variant is likely to be tolerated, but these predictions have not been confirmed by published functional studies and their clinical significance is uncertain. This variant has not been reported in the literature in individuals with CEBPA-related conditions. This sequence change replaces proline with leucine at codon 112 of the CEBPA protein (p.Pro112Leu). The proline residue is weakly conserved and there is a moderate physicochemical difference between proline and leucine.

NM_004364.5(CEBPA):c.335C>T (p.Pro112Leu)

Gene: CEBPA (CCAAT enhancer binding protein alpha; minus strand). Cytogenetic location: 19q13.11.
Variant type: single nucleotide variant.
Coding change: c.335C>T on transcript NM_004364.5 (MANE Select); coding-DNA position 335, C replaced by T.
Protein change: p.Pro112Leu; replaces proline 112 with leucine.
Molecular consequence: missense variant. On other transcripts: 5 prime UTR variant (1).
Genome position (GRCh38, 1-based): chr19:33,302,080, G>A on the plus strand (C>T on the coding strand, the complement: CEBPA is on the minus strand). VCF-style: chr19-33302080-G-A. GRCh37 (hg19) VCF-style: chr19-33792986-G-A.
Other names: c.-23C>T (NM_001285829.2); c.440C>T, p.Pro147Leu (NM_001287424.2); c.293C>T, p.Pro98Leu (NM_001287435.2); short protein forms P112L, P147L, P98L.
Identifiers: ClinVar variation 1445571 (VCV001445571.8), dbSNP rs2145262888, ClinGen allele CA405275163.